The following is an entry in ClinVar:

ClinVar aggregate classification (germline): Pathogenic (1 of 4 stars; one submission).

Submission:

GeneDx
Classification: Pathogenic. Last evaluated: 2022-02-23. Review status: criteria provided, single submitter. Criteria: GeneDx Variant Classification Process June 2021. Collection method: clinical testing. Allele origin: germline. Affected: yes.
Comment: Canonical splice site variant predicted to result in a null allele in a gene for which loss-of-function is a known mechanism of disease; Not observed in large population cohorts (gnomAD); Has not been previously published as pathogenic or benign to our knowledge

NM_002662.5(PLD1):c.607-2A>C

Gene: PLD1 (phospholipase D1; minus strand). Cytogenetic location: 3q26.31.
Variant type: single nucleotide variant.
Coding change: c.607-2A>C on transcript NM_002662.5 (MANE Select); the canonical splice acceptor site of the intron before coding-DNA position 607, A replaced by C.
Molecular consequence: splice acceptor variant.
Genome position (GRCh38, 1-based): chr3:171,726,078, T>G on the plus strand (A>C on the coding strand, the complement: PLD1 is on the minus strand). VCF-style: chr3-171726078-T-G. GRCh37 (hg19) VCF-style: chr3-171443868-T-G.
Other names: c.607-2A>C (NM_001130081.3).
Identifiers: ClinVar variation 1313339 (VCV001313339.3), dbSNP rs2108242515, ClinGen allele CA355507284.
Genomic context (GRCh38, chr3:171,726,078, plus strand): 5'-ATGCCCTTTGGTCCCAAATCATGGATGAAAGACAGCTGGCTTATATCAAGAAACTCTGTC[T>G]GAAAAGAAGCAAAAAATCCATCTTTAGCAAGCAAAACAATTCAAATTTATGCATTAAAAA-3'